The following is an entry in ClinVar:

ClinVar aggregate classification (germline): Likely pathogenic (1 of 4 stars; one submission).

Conditions:
Hereditary spherocytosis type 2. Also called: SPHEROCYTOSIS, TYPE 2, AUTOSOMAL DOMINANT. Identifiers: Orphanet 822, MedGen C2674219, MONDO:0000913, OMIM 616649.

Submission:

University of Washington Department of Laboratory Medicine, University of Washington
Classification: Likely pathogenic for Hereditary spherocytosis type 2. Last evaluated: 2021-03-29. Review status: criteria provided, single submitter. Criteria: ACMG Guidelines, 2015. Collection method: clinical testing. Allele origin: unknown. Affected: yes.
Comment: The p.Ser1645Glnfs*13 variant in the SPTB gene has not been previously reported in association with disease. This variant was absent from large population databases, including the Genome Aggregation Database. The p.Ser1645Glnfs*13 leads to a premature stop codon in exon 24 of 36 exons and is predicted to undergo nonsense-mediated decay resulting in a truncated or absent protein. These predictions have not been tested directly. Heterozygous loss-of-function is an established mechanism of disease for the SPTB gene (He 2018, Park 2016). Using ACMG guidelines, this variant was classified as likely pathogenic for autosomal dominant hereditary spherocytosis (ACMG evidence codes used: PVS1, PM2_supporting).

NM_001355436.2(SPTB):c.4932dup (p.Ser1645fs)

Gene: SPTB (spectrin beta, erythrocytic; minus strand). Cytogenetic location: 14q23.3.
Variant type: Duplication.
Coding change: c.4932dup on transcript NM_001355436.2 (MANE Select); coding-DNA position 4932, one base duplicated (C; older notation c.4932dupC).
Protein change: p.Ser1645fs; shifts the reading frame from serine 1645.
Molecular consequence: frameshift variant.
Genome position (GRCh38, 1-based): chr14:64,774,438, G duplicated on the plus strand (C on the coding strand, the reverse complement: SPTB is on the minus strand); the first of 2 consecutive G bases (chr14:64,774,438-64,774,439); duplicating either gives the same sequence. VCF-style (leftmost placement, unchanged base first): chr14-64774437-T-TG. GRCh37 (hg19) VCF-style: chr14-65241155-T-TG.
Other names: c.4932dup, p.Ser1645fs (NM_001024858.4, NM_001355437.2); c.4932dupC (NM_001355436.2); short protein forms S1645fs.
Identifiers: ClinVar variation 3777122 (VCV003777122.1).